The following is an entry in ClinVar:

ClinVar aggregate classification (germline): Uncertain significance (1 of 4 stars; one submission).

Conditions:
Hereditary sensory and autonomic neuropathy type 6. Also called: HSAN VI; Neuropathy, hereditary sensory and autonomic, type VI. Identifiers: Orphanet 314381, MedGen C3539003, MONDO:0013839, OMIM 614653.
Epidermolysis bullosa simplex 3, localized or generalized intermediate, with BP230 deficiency (EBS3). Also called: Epidermolysis bullosa simplex due to BP230 deficiency; Epidermolysis bullosa simplex, autosomal recessive 2. Identifiers: Orphanet 412181, MedGen C3809470, MONDO:0014180, OMIM 615425.

Submission:

Labcorp Genetics (formerly Invitae), Labcorp
Classification: Uncertain significance for Epidermolysis bullosa simplex 3, localized or generalized intermediate, with BP230 deficiency; Hereditary sensory and autonomic neuropathy type 6. Last evaluated: 2019-01-29. Review status: criteria provided, single submitter. Criteria: Invitae Variant Classification Sherloc (09022015). Collection method: clinical testing. Allele origin: germline.
Comment: In summary, the available evidence is currently insufficient to determine the role of this variant in disease. Therefore, it has been classified as a Variant of Uncertain Significance. Algorithms developed to predict the effect of missense changes on protein structure and function are either unavailable or do not agree on the potential impact of this missense change (SIFT: "Tolerated"; PolyPhen-2: "Probably Damaging"; Align-GVGD: "Class C0"). This variant has not been reported in the literature in individuals with DST-related conditions. This variant is not present in population databases (ExAC no frequency). This sequence change replaces threonine with asparagine at codon 1727 of the DST protein (p.Thr1727Asn). The threonine residue is weakly conserved and there is a small physicochemical difference between threonine and asparagine.

NM_001723.7(DST):c.5180C>A (p.Thr1727Asn)

Gene: DST (dystonin; minus strand). Cytogenetic location: 6p12.1.
Variant type: single nucleotide variant.
Coding change: c.5180C>A on transcript NM_001723.7 (MANE Plus Clinical); coding-DNA position 5180, C replaced by A.
Protein change: p.Thr1727Asn; replaces threonine 1727 with asparagine.
Molecular consequence: missense variant. On other transcripts: intron variant (10).
Genome position (GRCh38, 1-based): chr6:56,618,854, G>T on the plus strand (C>A on the coding strand, the complement: DST is on the minus strand). VCF-style: chr6-56618854-G-T. GRCh37 (hg19) VCF-style: chr6-56483652-G-T.
Other names: c.4831-4370C>A (NM_001144769.5); c.4930-4370C>A (NM_001374722.1, NM_001374736.1); c.4957-4370C>A (NM_001374734.1); c.4417-4370C>A (NM_001144770.2); c.4297-4370C>A (NM_001374730.1, NM_001386100.1, NM_183380.4 and 1 more transcripts); c.3319-4370C>A (NM_015548.5); short protein forms T1727N.
Identifiers: ClinVar variation 839019 (VCV000839019.10), dbSNP rs2098656822, ClinGen allele CA364567972.